The following is an entry in ClinVar:

ClinVar aggregate classification (germline): Uncertain significance. Review status: criteria provided, multiple submitters, no conflicts (2 of 4 stars). 2 submissions from 2 submitters: Uncertain significance (2). Last evaluated 2026-03-28.

Conditions:
Hereditary sensory and autonomic neuropathy type 6. Also called: HSAN VI; Neuropathy, hereditary sensory and autonomic, type VI. Identifiers: Orphanet 314381, MedGen C3539003, MONDO:0013839, OMIM 614653.
Epidermolysis bullosa simplex 3, localized or generalized intermediate, with BP230 deficiency (EBS3). Also called: Epidermolysis bullosa simplex due to BP230 deficiency; Epidermolysis bullosa simplex, autosomal recessive 2. Identifiers: Orphanet 412181, MedGen C3809470, MONDO:0014180, OMIM 615425.

Allele frequency attached by ClinVar (database versions not stated): gnomAD exomes 0.00002 and 0.00006; ExAC 0.00008; 1000 Genomes Project 0.00020; gnomAD 0.00024 and 0.00023; TOPMed 0.00029; ESP Exome Variant Server 0.00015; 1000 Genomes Project 30x 0.00016.
gnomAD v4.1: 60 of 1,614,210 alleles (0.0037%); highest among the groups gnomAD compares: African/African-American, 0.057%; 1 homozygote.

Submissions (2):

GeneDx
Classification: Uncertain significance. Last evaluated: 2026-03-28. Review status: criteria provided, single submitter. Criteria: GeneDx Variant Classification Process June 2021. Collection method: clinical testing. Allele origin: germline.
Comment: In silico analysis suggests that this missense variant does not alter protein structure/function; Has not been previously published as pathogenic or benign to our knowledge; Reported using the transcript encoding the epithelial isoform of the gene.

Labcorp Genetics (formerly Invitae), Labcorp
Classification: Uncertain significance for Epidermolysis bullosa simplex 3, localized or generalized intermediate, with BP230 deficiency; Hereditary sensory and autonomic neuropathy type 6. Last evaluated: 2023-10-07. Review status: criteria provided, single submitter. Criteria: Invitae Variant Classification Sherloc (09022015). Collection method: clinical testing. Allele origin: germline.
Comment: This sequence change replaces tyrosine, which is neutral and polar, with cysteine, which is neutral and slightly polar, at codon 1387 of the DST protein (p.Tyr1387Cys). This variant is present in population databases (rs144777864, gnomAD 0.07%). This variant has not been reported in the literature in individuals affected with DST-related conditions. ClinVar contains an entry for this variant (Variation ID: 1040355). An algorithm developed to predict the effect of missense changes on protein structure and function (PolyPhen-2) suggests that this variant¬†is likely to be tolerated. In summary, the available evidence is currently insufficient to determine the role of this variant in disease. Therefore, it has been classified as a Variant of Uncertain Significance.

NM_001723.7(DST):c.4160A>G (p.Tyr1387Cys)

Gene: DST (dystonin; minus strand). Cytogenetic location: 6p12.1.
Variant type: single nucleotide variant.
Coding change: c.4160A>G on transcript NM_001723.7 (MANE Plus Clinical); coding-DNA position 4160, A replaced by G.
Protein change: p.Tyr1387Cys; replaces tyrosine 1387 with cysteine.
Molecular consequence: missense variant. On other transcripts: intron variant (10).
Genome position (GRCh38, 1-based): chr6:56,619,874, T>C on the plus strand (A>G on the coding strand, the complement: DST is on the minus strand). VCF-style: chr6-56619874-T-C. GRCh37 (hg19) VCF-style: chr6-56484672-T-C.
Other names: c.4830+4656A>G (NM_001144769.5); c.4929+4656A>G (NM_001374722.1, NM_001374736.1); c.4956+4656A>G (NM_001374734.1); c.4416+4656A>G (NM_001144770.2); c.4296+4656A>G (NM_001374730.1, NM_001386100.1, NM_183380.4 and 1 more transcripts); c.3318+4656A>G (NM_015548.5); c.4160A>G (NM_001723.5); short protein forms Y1387C.
Identifiers: ClinVar variation 1040355 (VCV001040355.8), dbSNP rs144777864, ClinGen allele CA3870583.